The following is an entry in ClinVar:

NM_017671.5(FERMT1):c.1139+129C>G

Gene: FERMT1 (FERM domain containing kindlin 1; minus strand). Cytogenetic location: 20p12.3.
Variant type: single nucleotide variant.
Coding change: c.1139+129C>G on transcript NM_017671.5 (MANE Select); 129 bases into the intron after coding-DNA position 1139, C replaced by G.
Molecular consequence: intron variant.
Genome position (GRCh38, 1-based): chr20:6,094,810, G>C on the plus strand (C>G on the coding strand, the complement: FERMT1 is on the minus strand). VCF-style: chr20-6094810-G-C. GRCh37 (hg19) VCF-style: chr20-6075457-G-C.
Identifiers: ClinVar variation 4813968 (VCV004813968.1).

ClinVar aggregate classification (germline): Likely benign (1 of 4 stars; one submission).

gnomAD v4.1: 880 of 709,000 alleles (0.12%); highest among the groups gnomAD compares: African/African-American, 1.3%; 9 homozygotes.

Submission:

GeneDx
Classification: Likely benign. Last evaluated: 2021-12-14. Review status: criteria provided, single submitter. Criteria: GeneDx Variant Classification Process June 2021. Collection method: clinical testing. Allele origin: germline. Affected: yes.
Comment: See Variant Classification Assertion Criteria.